The following is an entry in ClinVar:

ClinVar aggregate classification (germline): Uncertain significance (1 of 4 stars; one submission).

Allele frequency attached by ClinVar (database versions not stated): ExAC 0.00001; gnomAD 0.00004; TOPMed 0.00005.
gnomAD v4.1: 73 of 1,595,446 alleles (0.0046%); highest among the groups gnomAD compares: African/African-American, 0.0013%; no homozygotes.

Submission:

Ambry Genetics
Classification: Uncertain significance. Last evaluated: 2024-11-11. Review status: criteria provided, single submitter. Criteria: Ambry Variant Classification Scheme 2023. Collection method: clinical testing. Allele origin: germline.
Comment: The p.R2518Q variant (also known as c.7553G>A), located in coding exon 29 of the POLQ gene, results from a G to A substitution at nucleotide position 7553. The arginine at codon 2518 is replaced by glutamine, an amino acid with highly similar properties. This amino acid position is conserved. In addition, this alteration is predicted to be tolerated by in silico analysis. Since supporting evidence is limited at this time, the clinical significance of this alteration remains unclear.

NM_199420.4(POLQ):c.7553G>A (p.Arg2518Gln)

Gene: POLQ (DNA polymerase theta; minus strand). Cytogenetic location: 3q13.33.
Variant type: single nucleotide variant.
Coding change: c.7553G>A on transcript NM_199420.4 (MANE Select); coding-DNA position 7553, G replaced by A.
Protein change: p.Arg2518Gln; replaces arginine 2518 with glutamine.
Molecular consequence: missense variant.
Genome position (GRCh38, 1-based): chr3:121,433,024, C>T on the plus strand (G>A on the coding strand, the complement: POLQ is on the minus strand). VCF-style: chr3-121433024-C-T. GRCh37 (hg19) VCF-style: chr3-121151871-C-T.
Other names: short protein forms R2518Q.
Identifiers: ClinVar variation 2448709 (VCV002448709.3), dbSNP rs200303341, ClinGen allele CA2562137.
Genomic context (GRCh38, chr3:121,433,024, plus strand): 5'-AGTTGAAGGATGAAGAAGCCTCCTCTGATTGGGCAGAACATCCCTTGCAGTTTTCTCTTT[C>T]GTGACAATCCTACTTCATGAAAAAGGAGCAAAACTGATCAGCATGTCGCTAAGTCATAGG-3'
Protein context (NP_955452.3, residues 2508-2528): MLQSDQTGLS[Arg2518Gln]KRKLQGMFCP